The following is an entry in ClinVar:

NM_016239.4(MYO15A):c.5100C>T (p.Thr1700=)

Gene: MYO15A (myosin XVA; plus strand). Cytogenetic location: 17p11.2.
Variant type: single nucleotide variant.
Coding change: c.5100C>T on transcript NM_016239.4 (MANE Select); coding-DNA position 5100, C replaced by T.
Protein change: p.Thr1700=; no amino-acid change (threonine 1700 retained).
Molecular consequence: synonymous variant.
Genome position (GRCh38, 1-based): chr17:18,138,903, C>T. VCF-style: chr17-18138903-C-T. GRCh37 (hg19) VCF-style: chr17-18042217-C-T.
Identifiers: ClinVar variation 227643 (VCV000227643.38), dbSNP rs529758445, ClinGen allele CA8424134.
Genomic context (GRCh38, chr17:18,138,903, plus strand): 5'-CTACCATCATGGCGCCAACCCGCTCTATTCCAAACCCAAGATGCCGCTGCCTGAGTTCAC[C>T]ATCAAGCACTATGCAGGCAAGGTCACCTACCAGGTGAGCCCTAAGACAGTCGGCCTGGAC-3'
Protein context (NP_057323.3, residues 1690-1710): SKPKMPLPEF[Thr1700=]IKHYAGKVTY

ClinVar aggregate classification (germline): Likely benign. Review status: criteria provided, multiple submitters, no conflicts (2 of 4 stars). 6 submissions from 6 submitters: Likely benign (5). 1 of the submissions does not count toward it. Last evaluated 2025-07-04.

Conditions:
MYO15A-related disorder. Also called: MYO15A-related condition.

Allele frequency attached by ClinVar (database versions not stated): gnomAD exomes 0.00003 and 0.00007; ExAC 0.00005; gnomAD 0.00015 and 0.00016; 1000 Genomes Project 30x 0.00016; 1000 Genomes Project 0.00020; TOPMed 0.00020.
gnomAD v4.1: 73 of 1,613,162 alleles (0.0045%); highest among the groups gnomAD compares: Middle Eastern, 0.05%; no homozygotes.

Submissions (6):

Labcorp Genetics (formerly Invitae), Labcorp
Classification: Likely benign. Last evaluated: 2025-07-04. Review status: criteria provided, single submitter. Criteria: Invitae Variant Classification Sherloc (09022015). Collection method: clinical testing. Allele origin: germline.

Blueprint Genetics
Classification: Likely benign. Last evaluated: 2024-09-09. Review status: criteria provided, single submitter. Criteria: ACMG Guidelines, 2015. Collection method: clinical testing. Allele origin: germline.

CeGaT Center for Human Genetics Tuebingen
Classification: Likely benign. Last evaluated: 2022-08-01. Review status: criteria provided, single submitter. Criteria: CeGaT Center For Human Genetics Tuebingen Variant Classification Criteria Version 2. Collection method: clinical testing. Allele origin: germline. Affected: yes. Observed: 1 variant allele.
Comment: MYO15A: BP4, BP7

GeneDx
Classification: Likely benign. Last evaluated: 2018-04-19. Review status: criteria provided, single submitter. Criteria: GeneDx Variant Classification (06012015). Collection method: clinical testing. Allele origin: germline. Affected: yes.
Comment: This variant is considered likely benign or benign based on one or more of the following criteria: it is a conservative change, it occurs at a poorly conserved position in the protein, it is predicted to be benign by multiple in silico algorithms, and/or has population frequency not consistent with disease.

Laboratory for Molecular Medicine, Mass General Brigham Personalized Medicine
Classification: Likely benign. Last evaluated: 2015-01-29. Review status: criteria provided, single submitter. Criteria: LMM Criteria. Collection method: clinical testing. Allele origin: germline. Observed: 1 variant allele.
Comment: p.Thr1700Thr in exon 18 of MYO15A: This variant is not expected to have clinical significance because it does not alter an amino acid residue and is not located within the splice consensus sequence. It has been identified in 3/8756 of Afric an chromosomes and 3/61837 European chromosomes by the Exome Aggregation Consort ium (ExAC; dbSNP 529758445).

PreventionGenetics, part of Exact Sciences
Classification: Likely benign for MYO15A-related condition. Last evaluated: 2019-05-31. Review status: no assertion criteria provided. Collection method: clinical testing. Allele origin: germline. Not counted in ClinVar's aggregate classification.
Comment: This variant is classified as likely benign based on ACMG/AMP sequence variant interpretation guidelines (Richards et al. 2015 PMID: 25741868, with internal and published modifications).